The following is an entry in ClinVar:

ClinVar aggregate classification (germline): Uncertain significance (1 of 4 stars; one submission).

Conditions:
Joubert syndrome. Also called: CEREBELLOPARENCHYMAL DISORDER IV; JOUBERT-BOLTSHAUSER SYNDROME; Familial aplasia of the vermis. Identifiers: Orphanet 475, MedGen C5979921, MONDO:0018772.

gnomAD v4.1: 2 of 1,579,526 alleles (0.00013%); highest among the groups gnomAD compares: Non-Finnish European, 0.00017%; no homozygotes.

Submission:

Labcorp Genetics (formerly Invitae), Labcorp
Classification: Uncertain significance for Joubert syndrome. Last evaluated: 2022-04-25. Review status: criteria provided, single submitter. Criteria: Invitae Variant Classification Sherloc (09022015). Collection method: clinical testing. Allele origin: germline.
Comment: In summary, the available evidence is currently insufficient to determine the role of this variant in disease. Therefore, it has been classified as a Variant of Uncertain Significance. Advanced modeling of protein sequence and biophysical properties (such as structural, functional, and spatial information, amino acid conservation, physicochemical variation, residue mobility, and thermodynamic stability) performed at Invitae indicates that this missense variant is expected to disrupt AHI1 protein function. This variant has not been reported in the literature in individuals affected with AHI1-related conditions. This variant is not present in population databases (gnomAD no frequency). This sequence change replaces glycine, which is neutral and non-polar, with valine, which is neutral and non-polar, at codon 676 of the AHI1 protein (p.Gly676Val).

NM_001134831.2(AHI1):c.2027G>T (p.Gly676Val)

Gene: AHI1 (Abelson helper integration site 1; minus strand). Cytogenetic location: 6q23.3.
Variant type: single nucleotide variant.
Coding change: c.2027G>T on transcript NM_001134831.2 (MANE Select); coding-DNA position 2027, G replaced by T.
Protein change: p.Gly676Val; replaces glycine 676 with valine.
Molecular consequence: missense variant.
Genome position (GRCh38, 1-based): chr6:135,438,384, C>A on the plus strand (G>T on the coding strand, the complement: AHI1 is on the minus strand). VCF-style: chr6-135438384-C-A. GRCh37 (hg19) VCF-style: chr6-135759522-C-A.
Other names: c.2027G>T, p.Gly676Val (NM_001134830.2, NM_001134832.2, NM_001350503.2 and 2 more transcripts); short protein forms G676V.
Identifiers: ClinVar variation 2130453 (VCV002130453.4), dbSNP rs1488485624, ClinGen allele CA365744143.